The following is an entry in ClinVar:

NM_152564.5(VPS13B):c.2515+16585A>G

Gene: VPS13B (vacuolar protein sorting 13 homolog B; plus strand). Cytogenetic location: 8q22.2.
Variant type: single nucleotide variant.
Coding change: c.2515+16585A>G on transcript NM_152564.5 (MANE Select); 16585 bases into the intron after coding-DNA position 2515, A replaced by G.
Molecular consequence: intron variant. On other transcripts: missense variant (1).
Genome position (GRCh38, 1-based): chr8:99,209,642, A>G. VCF-style: chr8-99209642-A-G. GRCh37 (hg19) VCF-style: chr8-100221870-A-G.
Other names: c.2566A>G, p.Asn856Asp (NM_015243.3); c.2515+16585A>G (NM_017890.5); short protein forms N856D.
Identifiers: ClinVar variation 4995562 (VCV004995562.1).

ClinVar aggregate classification (germline): Uncertain significance (1 of 4 stars; one submission).

Conditions:
VPS13B-related disorder. Also called: VPS13B-related condition.

Submission:

PreventionGenetics, part of Exact Sciences
Classification: Uncertain significance for VPS13B-related condition. Last evaluated: 2026-06-06. Review status: criteria provided, single submitter. Criteria: ACMG Guidelines, 2015. Collection method: clinical testing. Allele origin: germline.
Comment: The VPS13B c.2566A>G variant is predicted to result in the amino acid substitution p.Asn856Asp. To our knowledge, this variant has not been reported in the literature or in a large population database (gnomAD), indicating this variant is rare. At this time, the clinical significance of this variant is uncertain due to the absence of conclusive functional and genetic evidence.